The following is an entry in ClinVar:

ClinVar aggregate classification (germline): Uncertain significance (1 of 4 stars; one submission).

Allele frequency attached by ClinVar (database versions not stated): gnomAD exomes below 0.00001.
gnomAD v4.1: 1 of 1,614,140 alleles (0.000062%); highest among the groups gnomAD compares: Non-Finnish European, 0.000085%; no homozygotes.

Submission:

Labcorp Genetics (formerly Invitae), Labcorp
Classification: Uncertain significance. Last evaluated: 2022-05-07. Review status: criteria provided, single submitter. Criteria: Invitae Variant Classification Sherloc (09022015). Collection method: clinical testing. Allele origin: germline.
Comment: Algorithms developed to predict the effect of missense changes on protein structure and function are either unavailable or do not agree on the potential impact of this missense change (SIFT: "Deleterious"; PolyPhen-2: "Probably Damaging"; Align-GVGD: "Class C0"). This variant has not been reported in the literature in individuals affected with ADNP-related conditions. This sequence change replaces glycine, which is neutral and non-polar, with valine, which is neutral and non-polar, at codon 758 of the ADNP protein (p.Gly758Val). This variant is not present in population databases (gnomAD no frequency). In summary, the available evidence is currently insufficient to determine the role of this variant in disease. Therefore, it has been classified as a Variant of Uncertain Significance.

NM_001282531.3(ADNP):c.2273G>T (p.Gly758Val)

Gene: ADNP (activity dependent neuroprotector homeobox; minus strand). Cytogenetic location: 20q13.13.
Variant type: single nucleotide variant.
Coding change: c.2273G>T on transcript NM_001282531.3 (MANE Select); coding-DNA position 2273, G replaced by T.
Protein change: p.Gly758Val; replaces glycine 758 with valine.
Molecular consequence: missense variant.
Genome position (GRCh38, 1-based): chr20:50,892,441, C>A on the plus strand (G>T on the coding strand, the complement: ADNP is on the minus strand). VCF-style: chr20-50892441-C-A. GRCh37 (hg19) VCF-style: chr20-49508978-C-A.
Other names: c.2273G>T, p.Gly758Val (NM_001282532.2, NM_001347511.2, NM_015339.5 and 1 more transcripts); short protein forms G758V.
Identifiers: ClinVar variation 2134896 (VCV002134896.4), dbSNP rs2515579341, ClinGen allele CA408970815.